The following is an entry in ClinVar:

NM_001035.3(RYR2):c.9487G>T (p.Ala3163Ser)

Gene: RYR2 (ryanodine receptor 2; plus strand). Cytogenetic location: 1q43.
Variant type: single nucleotide variant.
Coding change: c.9487G>T on transcript NM_001035.3 (MANE Select); coding-DNA position 9487, G replaced by T.
Protein change: p.Ala3163Ser; replaces alanine 3163 with serine.
Molecular consequence: missense variant.
Genome position (GRCh38, 1-based): chr1:237,705,250, G>T. VCF-style: chr1-237705250-G-T. GRCh37 (hg19) VCF-style: chr1-237868550-G-T.
Other names: short protein forms A3163S.
Identifiers: ClinVar variation 925400 (VCV000925400.4), dbSNP rs1688275641, ClinGen allele CA345407543.
Genomic context (GRCh38, chr1:237,705,250, plus strand): 5'-ACATAAGCATTTTCCACTTATAGGCAACGTTCTGCATTAGGAGAATGTCTAGCTGCCTTT[G>T]CTGGTGCTTTTCCTGTAGCATTTTTGGAAACTCATCTGGACAAACATAATATTTACTCCA-3'
Protein context (NP_001026.2, residues 3153-3173): SALGECLAAF[Ala3163Ser]GAFPVAFLET

ClinVar aggregate classification (germline): Uncertain significance (1 of 4 stars; one submission).

Conditions:
Cardiomyopathy (CMYO). Also called: Cardiomyopathies. Identifiers: Orphanet 167848, MedGen C0878544, MONDO:0004994, HP:0001638. Inheritance: Various modes of inheritance.

Submission:

Color Diagnostics, LLC DBA Color Health
Classification: Uncertain significance for Cardiomyopathy. Last evaluated: 2024-03-06. Review status: criteria provided, single submitter. Criteria: ACMG Guidelines, 2015. Collection method: clinical testing. Allele origin: germline.
Comment: This missense variant replaces alanine with serine at codon 3163 of the RYR2 protein. Computational prediction tool suggests that this variant may not impact protein structure and function (internally defined REVEL score threshold <=0.5, PMID: 27666373). Splice site prediction tools suggest that this variant may not impact RNA splicing. To our knowledge, functional studies have not been performed for this variant. This variant has not been reported in individuals affected with cardiovascular disorders in the literature. This variant has not been identified in the general population by the Genome Aggregation Database (gnomAD). The available evidence is insufficient to determine the role of this variant in disease conclusively. Therefore, this variant is classified as a Variant of Uncertain Significance.